The following is an entry in ClinVar:

ClinVar aggregate classification (germline): Pathogenic (1 of 4 stars; one submission).

Conditions:
Hereditary cancer-predisposing syndrome. Also called: Hereditary Cancer Syndrome; Neoplastic Syndromes, Hereditary; Hereditary neoplastic syndrome; Tumor predisposition. Identifiers: Orphanet 140162, MedGen C0027672, MeSH D009386, MONDO:0015356.

Submission:

Ambry Genetics
Classification: Pathogenic for Hereditary cancer-predisposing syndrome. Last evaluated: 2012-10-12. Review status: criteria provided, single submitter. Criteria: Ambry Autosomal Dominant and X-Linked criteria (10/2015). Collection method: clinical testing. Allele origin: germline. Observed: 1 variant allele.
Comment: This alteration is expected to result in loss of function by premature protein truncation or nonsense-mediatedâ€¯mRNAâ€¯decay.â€¯As such, this alteration is interpreted as a disease-causing mutation.

NM_177438.3(DICER1):c.5235del (p.Phe1745fs)

Gene: DICER1 (dicer 1, ribonuclease III; minus strand). Cytogenetic location: 14q32.13.
Variant type: Deletion.
Coding change: c.5235del on transcript NM_177438.3 (MANE Select); coding-DNA position 5235, one base deleted (T; older notation c.5235delT).
Protein change: p.Phe1745fs; shifts the reading frame from phenylalanine 1745.
Molecular consequence: frameshift variant.
Genome position (GRCh38, 1-based): chr14:95,094,017, A deleted on the plus strand (T on the coding strand, the reverse complement: DICER1 is on the minus strand); the first of 3 consecutive A bases (chr14:95,094,017-95,094,019); deleting any one gives the same sequence. VCF-style (leftmost placement, unchanged base first): chr14-95094016-CA-C. GRCh37 (hg19) VCF-style: chr14-95560353-CA-C.
Other names: c.5235del, p.Phe1745fs (NM_001195573.1, NM_001271282.3, NM_001291628.2 and 1 more transcripts); c.5235delT (NM_177438.2); short protein forms F1745fs.
Identifiers: ClinVar variation 429124 (VCV000429124.3), dbSNP rs1131691199, ClinGen allele CA645369606.